The following is an entry in ClinVar:

ClinVar aggregate classification (germline): Uncertain significance (1 of 4 stars; one submission).

Submission:

Labcorp Genetics (formerly Invitae), Labcorp
Classification: Uncertain significance. Last evaluated: 2022-03-04. Review status: criteria provided, single submitter. Criteria: Invitae Variant Classification Sherloc (09022015). Collection method: clinical testing. Allele origin: germline.
Comment: Algorithms developed to predict the effect of missense changes on protein structure and function output the following: SIFT: "Tolerated"; PolyPhen-2: "Benign"; Align-GVGD: "Class C0". The isoleucine amino acid residue is found in multiple mammalian species, which suggests that this missense change does not adversely affect protein function. In summary, the available evidence is currently insufficient to determine the role of this variant in disease. Therefore, it has been classified as a Variant of Uncertain Significance. This variant has not been reported in the literature in individuals affected with EYS-related conditions. This sequence change replaces valine, which is neutral and non-polar, with isoleucine, which is neutral and non-polar, at codon 496 of the EYS protein (p.Val496Ile). This variant is not present in population databases (gnomAD no frequency).

NM_001142800.2(EYS):c.1486G>A (p.Val496Ile)

Gene: EYS (EGF-like photoreceptor maintenance factor; minus strand). Cytogenetic location: 6q12.
Variant type: single nucleotide variant.
Coding change: c.1486G>A on transcript NM_001142800.2 (MANE Select); coding-DNA position 1486, G replaced by A.
Protein change: p.Val496Ile; replaces valine 496 with isoleucine.
Molecular consequence: missense variant.
Genome position (GRCh38, 1-based): chr6:65,344,151, C>T on the plus strand (G>A on the coding strand, the complement: EYS is on the minus strand). VCF-style: chr6-65344151-C-T. GRCh37 (hg19) VCF-style: chr6-66054044-C-T.
Other names: c.1486G>A, p.Val496Ile (NM_001142801.2, NM_001292009.2, NM_198283.2); short protein forms V496I.
Identifiers: ClinVar variation 1969811 (VCV001969811.5), dbSNP rs1326481001, ClinGen allele CA364661533.
Genomic context (GRCh38, chr6:65,344,151, plus strand): 5'-CGTTCACATAGGTTGCATCTTCAGTGCAGTTTGCAGCCAGAAAGAAATAGGCATCAATAA[C>T]CCCTTGGCACTTTTCGCCTTCAGATCCTTTAAAAAAAAAGAGATAAAAAATTAAATAAAC-3'
Protein context (NP_001136272.1, residues 486-506): AGSEGEKCQG[Val496Ile]IDAYFFLAAN